The following is an entry in ClinVar:

ClinVar aggregate classification (germline): Uncertain significance. Review status: criteria provided, multiple submitters, no conflicts (2 of 4 stars). 2 submissions from 2 submitters: Uncertain significance (2). Last evaluated 2025-08-27.

Conditions:
Inborn genetic diseases. Identifiers: MedGen C0950123, MeSH D030342.
MHC class I deficiency. Identifiers: Orphanet 34592, MedGen C6024714, MONDO:0011476.

Allele frequency attached by ClinVar (database versions not stated): TOPMed 0.00001; gnomAD 0.00001; gnomAD exomes 0.00001.
gnomAD v4.1: 8 of 1,608,476 alleles (0.0005%); highest among the groups gnomAD compares: South Asian, 0.0011%; no homozygotes.

Submissions (2):

Ambry Genetics
Classification: Uncertain significance for Inborn genetic diseases. Last evaluated: 2025-08-27. Review status: criteria provided, single submitter. Criteria: Ambry Variant Classification Scheme 2023. Collection method: clinical testing. Allele origin: germline.

Labcorp Genetics (formerly Invitae), Labcorp
Classification: Uncertain significance for Bare lymphocyte syndrome type 1. Last evaluated: 2019-09-03. Review status: criteria provided, single submitter. Criteria: Invitae Variant Classification Sherloc (09022015). Collection method: clinical testing. Allele origin: germline.
Comment: This sequence change replaces histidine with asparagine at codon 196 of the TAP1 protein (p.His196Asn). The histidine residue is weakly conserved and there is a small physicochemical difference between histidine and asparagine. This variant is not present in population databases (ExAC no frequency). This variant has not been reported in the literature in individuals with TAP1-related conditions. Algorithms developed to predict the effect of missense changes on protein structure and function (SIFT, PolyPhen-2, Align-GVGD) all suggest that this variant is likely to be tolerated, but these predictions have not been confirmed by published functional studies and their clinical significance is uncertain. In summary, the available evidence is currently insufficient to determine the role of this variant in disease. Therefore, it has been classified as a Variant of Uncertain Significance.

NM_000593.6(TAP1):c.406C>A (p.His136Asn)

Gene: TAP1 (transporter 1, ATP binding cassette subfamily B member; minus strand). Cytogenetic location: 6p21.32.
Variant type: single nucleotide variant.
Coding change: c.406C>A on transcript NM_000593.6 (MANE Select); coding-DNA position 406, C replaced by A.
Protein change: p.His136Asn; replaces histidine 136 with asparagine.
Molecular consequence: missense variant.
Genome position (GRCh38, 1-based): chr6:32,853,231, G>T on the plus strand (C>A on the coding strand, the complement: TAP1 is on the minus strand). VCF-style: chr6-32853231-G-T. GRCh37 (hg19) VCF-style: chr6-32821008-G-T.
Other names: short protein forms H136N.
Identifiers: ClinVar variation 938918 (VCV000938918.2), dbSNP rs1183972057, ClinGen allele CA363582321.